The following is an entry in ClinVar:

NM_000081.4(LYST):c.10510A>G (p.Ile3504Val)

Gene: LYST (lysosomal trafficking regulator; minus strand). Cytogenetic location: 1q42.3.
Variant type: single nucleotide variant.
Coding change: c.10510A>G on transcript NM_000081.4 (MANE Select); coding-DNA position 10510, A replaced by G.
Protein change: p.Ile3504Val; replaces isoleucine 3504 with valine.
Molecular consequence: missense variant.
Genome position (GRCh38, 1-based): chr1:235,697,137, T>C on the plus strand (A>G on the coding strand, the complement: LYST is on the minus strand). VCF-style: chr1-235697137-T-C. GRCh37 (hg19) VCF-style: chr1-235860437-T-C.
Other names: c.10510A>G, p.Ile3504Val (NM_001301365.1); short protein forms I3504V.
Identifiers: ClinVar variation 1519560 (VCV001519560.3), dbSNP rs1220780574, ClinGen allele CA344928954.

ClinVar aggregate classification (germline): Uncertain significance (1 of 4 stars; one submission).

Conditions:
Chédiak-Higashi syndrome (CHS). Also called: Chediak-Higashi Syndrome. Identifiers: Orphanet 167, MedGen C0007965, MONDO:0008963, OMIM 214500.

Allele frequency attached by ClinVar (database versions not stated): TOPMed below 0.00001; gnomAD 0.00001.
gnomAD v4.1: 7 of 1,614,086 alleles (0.00043%); highest among the groups gnomAD compares: Middle Eastern, 0.016%; no homozygotes.

Submission:

Labcorp Genetics (formerly Invitae), Labcorp
Classification: Uncertain significance for Chédiak-Higashi syndrome. Last evaluated: 2022-05-09. Review status: criteria provided, single submitter. Criteria: Invitae Variant Classification Sherloc (09022015). Collection method: clinical testing. Allele origin: germline.
Comment: This sequence change replaces isoleucine, which is neutral and non-polar, with valine, which is neutral and non-polar, at codon 3504 of the LYST protein (p.Ile3504Val). This variant is not present in population databases (gnomAD no frequency). This variant has not been reported in the literature in individuals affected with LYST-related conditions. Algorithms developed to predict the effect of missense changes on protein structure and function are either unavailable or do not agree on the potential impact of this missense change (SIFT: "Tolerated"; PolyPhen-2: "Possibly Damaging"; Align-GVGD: "Class C0"). In summary, the available evidence is currently insufficient to determine the role of this variant in disease. Therefore, it has been classified as a Variant of Uncertain Significance.